The following is an entry in ClinVar:

ClinVar aggregate classification (germline): Uncertain significance (1 of 4 stars; one submission).

Allele frequency attached by ClinVar (database versions not stated): gnomAD exomes below 0.00001; ExAC 0.00001.
gnomAD v4.1: 2 of 1,612,982 alleles (0.00012%); highest among the groups gnomAD compares: Non-Finnish European, 0.00017%; no homozygotes.

Submission:

Labcorp Genetics (formerly Invitae), Labcorp
Classification: Uncertain significance. Last evaluated: 2022-07-03. Review status: criteria provided, single submitter. Criteria: Invitae Variant Classification Sherloc (09022015). Collection method: clinical testing. Allele origin: germline.
Comment: This sequence change replaces histidine, which is basic and polar, with proline, which is neutral and non-polar, at codon 72 of the SKIV2L protein (p.His72Pro). This variant is present in population databases (rs761809577, gnomAD 0.0009%). This variant has not been reported in the literature in individuals affected with SKIV2L-related conditions. ClinVar contains an entry for this variant (Variation ID: 1525286). Algorithms developed to predict the effect of missense changes on protein structure and function are either unavailable or do not agree on the potential impact of this missense change (SIFT: "Deleterious"; PolyPhen-2: "Probably Damaging"; Align-GVGD: "Class C0"). In summary, the available evidence is currently insufficient to determine the role of this variant in disease. Therefore, it has been classified as a Variant of Uncertain Significance.

NM_006929.5(SKIC2):c.215A>C (p.His72Pro)

Gene: SKIC2 (SKI2 subunit of superkiller complex; plus strand). Cytogenetic location: 6p21.33.
Variant type: single nucleotide variant.
Coding change: c.215A>C on transcript NM_006929.5 (MANE Select); coding-DNA position 215, A replaced by C.
Protein change: p.His72Pro; replaces histidine 72 with proline.
Molecular consequence: missense variant.
Genome position (GRCh38, 1-based): chr6:31,960,098, A>C. VCF-style: chr6-31960098-A-C. GRCh37 (hg19) VCF-style: chr6-31927875-A-C.
Other names: short protein forms H72P.
Identifiers: ClinVar variation 1525286 (VCV001525286.5), dbSNP rs761809577, ClinGen allele CA3729080.